The following is an entry in ClinVar:

NM_198334.3(GANAB):c.1334G>A (p.Arg445His)

Gene: GANAB (glucosidase II alpha subunit; minus strand). Cytogenetic location: 11q12.3.
Variant type: single nucleotide variant.
Coding change: c.1334G>A on transcript NM_198334.3 (MANE Select); coding-DNA position 1334, G replaced by A.
Protein change: p.Arg445His; replaces arginine 445 with histidine.
Molecular consequence: missense variant.
Genome position (GRCh38, 1-based): chr11:62,630,653, C>T on the plus strand (G>A on the coding strand, the complement: GANAB is on the minus strand). VCF-style: chr11-62630653-C-T. GRCh37 (hg19) VCF-style: chr11-62398125-C-T.
Other names: c.1058G>A, p.Arg353His (NM_001278192.2); c.992G>A, p.Arg331His (NM_001278193.2); c.1043G>A, p.Arg348His (NM_001278194.2, NM_001329222.2, NM_001329223.2); c.611G>A, p.Arg204His (NM_001329224.2, NM_001329225.2); c.1400G>A, p.Arg467His (NM_198335.4); short protein forms R204H, R331H, R348H, R353H, R445H, R467H.
Identifiers: ClinVar variation 3777618 (VCV003777618.2).
Genomic context (GRCh38, chr11:62,630,653, plus strand): 5'-CCCCTTACCTTCCGCCTCTTAGAAGCCAAGCGCTCAAGCATGGTGCGGGGCTGAGGGAAG[C>T]GACTGGGGTCCCAGGTGAAATACCGCTTGCCATCAGCATGTTCAATGTCTAGCCAGATGA-3'
Protein context (NP_938148.1, residues 435-455): GKRYFTWDPS[Arg445His]FPQPRTMLER

ClinVar aggregate classification (germline): Uncertain significance. Review status: criteria provided, multiple submitters, no conflicts (2 of 4 stars). 2 submissions from 2 submitters: Uncertain significance (2). Last evaluated 2026-07-30.

Conditions:
GANAB-related disorder. Also called: GANAB-related condition.

gnomAD v4.1: 38 of 1,614,184 alleles (0.0024%); highest among the groups gnomAD compares: Middle Eastern, 0.049%; no homozygotes.

Submissions (2):

PreventionGenetics, part of Exact Sciences
Classification: Uncertain significance for GANAB-related condition. Last evaluated: 2026-07-30. Review status: criteria provided, single submitter. Criteria: ACMG Guidelines, 2015. Collection method: clinical testing. Allele origin: germline.
Comment: The GANAB c.1400G>A variant is predicted to result in the amino acid substitution p.Arg467His. To our knowledge, this variant has not been reported in the literature. This variant is reported in 0.0033% of alleles in individuals of South Asian descent in gnomAD. At this time, the clinical significance of this variant is uncertain due to the absence of conclusive functional and genetic evidence.

GeneDx
Classification: Uncertain significance. Last evaluated: 2024-10-14. Review status: criteria provided, single submitter. Criteria: GeneDx Variant Classification Process June 2021. Collection method: clinical testing. Allele origin: germline. Affected: yes.
Comment: Not observed at significant frequency in large population cohorts (gnomAD); In silico analysis supports that this missense variant has a deleterious effect on protein structure/function; Has not been previously published as pathogenic or benign to our knowledge